The following is an entry in ClinVar:

NM_000545.8(HNF1A):c.358A>G (p.Lys120Glu)

Gene: HNF1A (HNF1 homeobox A; plus strand). Cytogenetic location: 12q24.31.
Variant type: single nucleotide variant.
Coding change: c.358A>G on transcript NM_000545.8 (MANE Select); coding-DNA position 358, A replaced by G.
Protein change: p.Lys120Glu; replaces lysine 120 with glutamic acid.
Molecular consequence: missense variant.
Genome position (GRCh38, 1-based): chr12:120,988,864, A>G. VCF-style: chr12-120988864-A-G. GRCh37 (hg19) VCF-style: chr12-121426667-A-G.
Other names: NM_001306179.2:c.358A>G; c.358A>G, p.Lys120Glu (NM_001306179.2, NM_001406915.1); short protein forms K120E.
Identifiers: ClinVar variation 1732973 (VCV001732973.3), dbSNP rs2499987472, ClinGen allele CA386959040.

ClinVar aggregate classification (germline): Likely pathogenic. Review status: reviewed by expert panel (3 of 4 stars). 2 submissions from 2 submitters: Likely pathogenic (1). 1 of the submissions does not count toward it. Last evaluated 2023-07-30.

Conditions:
Maturity-onset diabetes of the young (MODY). Also called: Maturity onset diabetes mellitus in young. Identifiers: Orphanet 552, MedGen C0342276, MONDO:0018911, HP:0004904.
Monogenic diabetes. Identifiers: Orphanet 183625, MedGen C3888631, MONDO:0015967.

Submissions (2):

ClinGen Monogenic Diabetes Variant Curation Expert Panel
Classification: Likely pathogenic for Monogenic diabetes. Last evaluated: 2023-07-30. Review status: reviewed by expert panel. Criteria: ClinGen Diabetes ACMG Specifications HNF1A V2.0.0. Collection method: curation. Allele origin: germline. Inheritance: Autosomal dominant inheritance.
Comment: The c.358A>G variant in the HNF1 homeobox A gene, HNF1A, causes an amino acid change of lysine to glutamic acid at codon 120 (p.(Lys120Glu)) of NM_000545.8. This variant is located within a conserved region of the DNA binding domain (codons 107-174 and 201-280) of HNF1A, which is defined as critical for the protein’s function by the ClinGen MDEP (PM1_Supporting). Additionally, this variant is predicted to be deleterious by computational evidence, with a REVEL score of 0.986, which is greater than the MDEP VCEP threshold of 0.70 (PP3). This is supported by functional studies that demonstrated the p.Lys120Glu protein has DNA binding and transactivation below 40% of wildtype, indicating that this variant impacts protein function (PS3_Supporting; PMID: 32017842). Additionally, this variant is absent in gnomAD v2.1.1 (PM2_Supporting), and was identified in three unrelated individuals with non-autoimmune and non-absolute/near-absolute insulin-deficient diabetes (PS4_Moderate; PMID: 24698406, PMID: 32741144, internal lab contributor). At least one of these individuals had a clinical history highly specific for HNF1A-MODY (MODY probability calculator result >50%, negative genetic testing for HNF4A, and negative antibodies) (PP4_Moderate; internal lab contributor). This variant segregated with diabetes with one informative meiosis in a single family; however, this does not meet the thresholds for PP1 set by the ClinGen MDEP (PMIDs: 27236918, 24698406). In summary, the c.358A>G variant meets the criteria to be classified as likely pathogenic for monogenic diabetes. ACMG/AMP criteria applied, as specified by the ClinGen MDEP (specification version 2.0.0, approved 1/22/2023): PP4_Moderate, PP3, PM1_Supporting, PM2_Supporting, PS3_Supporting.

Ambry Genetics
Classification: Uncertain significance for Maturity-onset diabetes of the young. Last evaluated: 2018-01-15. Review status: criteria provided, single submitter. Criteria: Ambry Variant Classification Scheme 2023. Collection method: clinical testing. Allele origin: germline. Not counted in ClinVar's aggregate classification.
Comment: The p.K120E variant (also known as c.358A>G), located in coding exon 2 of the HNF1A gene, results from an A to G substitution at nucleotide position 358. The lysine at codon 120 is replaced by glutamic acid, an amino acid with similar properties. This amino acid position is highly conserved in available vertebrate species. In addition, this alteration is predicted to be deleterious by in silico analysis. Based on available evidence to date, the clinical significance of this alteration remains unclear.

Literature cited by the submitters: PubMed 24698406 (cited by Ambry Genetics).